The following is an entry in ClinVar:

ClinVar aggregate classification (germline): Likely benign (1 of 4 stars; one submission).

Allele frequency attached by ClinVar (database versions not stated): gnomAD exomes 0.00003; gnomAD 0.00004; TOPMed 0.00006; ESP Exome Variant Server 0.00008; ExAC 0.00009.
gnomAD v4.1: 52 of 1,613,464 alleles (0.0032%); highest among the groups gnomAD compares: Middle Eastern, 0.13%; no homozygotes.

Submission:

CeGaT Center for Human Genetics Tuebingen
Classification: Likely benign. Last evaluated: 2023-02-01. Review status: criteria provided, single submitter. Criteria: CeGaT Center For Human Genetics Tuebingen Variant Classification Criteria Version 2. Collection method: clinical testing. Allele origin: germline. Affected: yes. Observed: 2 variant alleles.
Comment: CDON: BP4

NM_001378964.1(CDON):c.3631+43A>T

Gene: CDON (cell adhesion associated, oncogene regulated; minus strand). Cytogenetic location: 11q24.2.
Variant type: single nucleotide variant.
Coding change: c.3631+43A>T on transcript NM_001378964.1 (MANE Select); 43 bases into the intron after coding-DNA position 3631, A replaced by T.
Molecular consequence: intron variant. On other transcripts: missense variant (3).
Genome position (GRCh38, 1-based): chr11:125,961,681, T>A on the plus strand (A>T on the coding strand, the complement: CDON is on the minus strand). VCF-style: chr11-125961681-T-A. GRCh37 (hg19) VCF-style: chr11-125831576-T-A.
Other names: c.3674A>T, p.Gln1225Leu (NM_001243597.3, NM_001441161.1, NM_001441162.1); c.3631+43A>T (NM_001441166.1, NM_016952.6, NM_001441164.1 and 2 more transcripts); short protein forms Q1225L.
Identifiers: ClinVar variation 2642517 (VCV002642517.24), dbSNP rs377706219, ClinGen allele CA6351356.
Genomic context (GRCh38, chr11:125,961,681, plus strand): 5'-ACTAATCATAGAGGGGAAACTCTGAAAGCATCACCTTCCCATACACAGCTCTTAGCTAAC[T>A]GAAGATGATCTGGAATCCTAAGGTTGATCATGCCTTCCTGACCTCTGCTGAACTCTGCTG-3'